The following is an entry in ClinVar:

ClinVar aggregate classification (germline): Uncertain significance (1 of 4 stars; one submission).

Allele frequency attached by ClinVar (database versions not stated): TOPMed 0.00001; gnomAD 0.00002.

Submission:

Greenwood Genetic Center Diagnostic Laboratories, Greenwood Genetic Center
Classification: Uncertain significance. Last evaluated: 2021-04-09. Review status: criteria provided, single submitter. Criteria: ACMG Guidelines, 2015. Collection method: clinical testing. Allele origin: germline. Affected: yes.
Comment: BP4, PP2, PM2

NM_004187.5(KDM5C):c.3508G>T (p.Ala1170Ser)

Gene: KDM5C (lysine demethylase 5C; minus strand). Cytogenetic location: Xp11.22.
Variant type: single nucleotide variant.
Coding change: c.3508G>T on transcript NM_004187.5 (MANE Select); coding-DNA position 3508, G replaced by T.
Protein change: p.Ala1170Ser; replaces alanine 1170 with serine.
Molecular consequence: missense variant. On other transcripts: non-coding transcript variant (3).
Genome position (GRCh38, 1-based): chrX:53,194,669, C>A on the plus strand (G>T on the coding strand, the complement: KDM5C is on the minus strand). VCF-style: chrX-53194669-C-A. GRCh37 (hg19) VCF-style: chrX-53223851-C-A.
Other names: c.3307G>T, p.Ala1103Ser (NM_001146702.2); c.3505G>T, p.Ala1169Ser (NM_001282622.3, NM_001353979.2, NM_001353982.2); c.3508G>T, p.Ala1170Ser (NM_001353978.3, NM_001353981.2, NM_001353984.2); short protein forms A1103S, A1169S, A1170S.
Identifiers: ClinVar variation 1334690 (VCV001334690.4), dbSNP rs1268423491, ClinGen allele CA413108812.
Genomic context (GRCh38, chrX:53,194,669, plus strand): 5'-ACACACAGATAGAGGTTGTAGAGGAGGCCGTGCTCGATGATGCCAGTGGACTGGGCTTGG[C>A]CGAATTGGTGCGACGCAGCTGCAGGATACCCTCCTTCTCCTTCTGTTCCCCCTCCTTGAA-3'
Protein context (NP_004178.2, residues 1160-1180): GILQLRRTNS[Ala1170Ser]KPSPLASSST